The following is an entry in ClinVar:

ClinVar aggregate classification (germline): Uncertain significance. Review status: criteria provided, multiple submitters, no conflicts (2 of 4 stars). 2 submissions from 2 submitters: Uncertain significance (2). Last evaluated 2025-06-07.

Conditions:
RASopathy. Also called: rasopathies; Noonan spectrum disorder. Identifiers: Orphanet 536391, MedGen C5555857, MONDO:0021060.

Allele frequency attached by ClinVar (database versions not stated): gnomAD exomes 0.00001; TOPMed 0.00001.

Submissions (2):

Women's Health and Genetics/Laboratory Corporation of America, LabCorp
Classification: Uncertain significance. Last evaluated: 2025-06-07. Review status: criteria provided, single submitter. Criteria: LabCorp Variant Classification Summary - May 2015. Collection method: clinical testing. Allele origin: germline.

Labcorp Genetics (formerly Invitae), Labcorp
Classification: Uncertain significance for RASopathy. Last evaluated: 2022-10-13. Review status: criteria provided, single submitter. Criteria: Invitae Variant Classification Sherloc (09022015). Collection method: clinical testing. Allele origin: germline.
Comment: In summary, the available evidence is currently insufficient to determine the role of this variant in disease. Therefore, it has been classified as a Variant of Uncertain Significance. Advanced modeling of protein sequence and biophysical properties (such as structural, functional, and spatial information, amino acid conservation, physicochemical variation, residue mobility, and thermodynamic stability) performed at Invitae indicates that this missense variant is expected to disrupt BRAF protein function. ClinVar contains an entry for this variant (Variation ID: 1018730). This variant has not been reported in the literature in individuals affected with BRAF-related conditions. The frequency data for this variant in the population databases is considered unreliable, as metrics indicate poor data quality at this position in the gnomAD database. This sequence change replaces proline, which is neutral and non-polar, with leucine, which is neutral and non-polar, at codon 14 of the BRAF protein (p.Pro14Leu).

NM_004333.6(BRAF):c.41C>T (p.Pro14Leu)

Gene: BRAF (B-Raf proto-oncogene, serine/threonine kinase; minus strand). Cytogenetic location: 7q34.
Variant type: single nucleotide variant.
Coding change: c.41C>T on transcript NM_004333.6 (MANE Select); coding-DNA position 41, C replaced by T.
Protein change: p.Pro14Leu; replaces proline 14 with leucine.
Molecular consequence: missense variant.
Genome position (GRCh38, 1-based): chr7:140,924,663, G>A on the plus strand (C>T on the coding strand, the complement: BRAF is on the minus strand). VCF-style: chr7-140924663-G-A. GRCh37 (hg19) VCF-style: chr7-140624463-G-A.
Other names: c.41C>T, p.Pro14Leu (NM_001354609.2, NM_001374244.1, NM_001374258.1 and 7 more transcripts); short protein forms P14L.
Identifiers: ClinVar variation 1018730 (VCV001018730.9), dbSNP rs397507455, ClinGen allele CA369590216.